The following is an entry in ClinVar:

ClinVar aggregate classification (germline): Pathogenic/Likely pathogenic. Review status: no assertion criteria provided (0 of 4 stars). 2 submissions from 2 submitters: Pathogenic (1); Likely pathogenic (1). Last evaluated 2022-06-29.

Conditions:
Non-syndromic intellectual disability. Also called: Mental retardation non-syndromic. Identifiers: MedGen CN280315, MONDO:0000509.
Autism spectrum disorder. Also called: Autism spectrum disorders. Identifiers: MedGen C1510586, MeSH D000067877, MONDO:0005258.
Intellectual developmental disorder, autosomal dominant 67 (MRD67). Also called: MENTAL RETARDATION, AUTOSOMAL DOMINANT 67. Identifiers: MedGen C5677006, MONDO:0030964, OMIM 619927.

Submissions (2):

OMIM
Classification: Pathogenic for INTELLECTUAL DEVELOPMENTAL DISORDER, AUTOSOMAL DOMINANT 67. Last evaluated: 2022-06-29. Review status: no assertion criteria provided. Collection method: literature only. Allele origin: germline.

University of Washington Center for Mendelian Genomics, University of Washington
Classification: Likely pathogenic for Autism spectrum disorder. Review status: no assertion criteria provided. Collection method: research. Allele origin: de novo. Affected: yes.

Literature cited by the submitters: PubMed 35675825 (cited by OMIM); PubMed 30504930 (cited by University of Washington Center for Mendelian Genomics, University of Washington).

NM_000827.4(GRIA1):c.2234G>A (p.Gly745Asp)

Gene: GRIA1 (glutamate ionotropic receptor AMPA type subunit 1; plus strand). Cytogenetic location: 5q33.2.
Variant type: single nucleotide variant.
Coding change: c.2234G>A on transcript NM_000827.4 (MANE Select); coding-DNA position 2234, G replaced by A.
Protein change: p.Gly745Asp; replaces glycine 745 with aspartic acid.
Molecular consequence: missense variant. On other transcripts: non-coding transcript variant (2).
Genome position (GRCh38, 1-based): chr5:153,770,379, G>A. VCF-style: chr5-153770379-G-A. GRCh37 (hg19) VCF-style: chr5-153149939-G-A.
Other names: c.2234G>A, p.Gly745Asp (NM_001114183.2); c.1994G>A, p.Gly665Asp (NM_001258019.2); c.1949G>A, p.Gly650Asp (NM_001258020.2); c.2264G>A, p.Gly755Asp (NM_001258021.2, NM_001258022.2); c.2027G>A, p.Gly676Asp (NM_001258023.1, NM_001364167.2); c.2066G>A, p.Gly689Asp (NM_001364165.2); c.2261G>A, p.Gly754Asp (NM_001364166.2); short protein forms G745D, G650D, G665D, G755D, G676D, G689D, G754D.
Identifiers: ClinVar variation 585059 (VCV000585059.5), dbSNP rs1561846159, ClinGen allele CA362003294.
Genomic context (GRCh38, chr5:153,770,379, plus strand): 5'-ACATTGAGCAGCGGAAACCCTGTGACACCATGAAGGTGGGAGGTAACTTGGATTCCAAAG[G>A]CTATGGCATTGCAACACCCAAGGGGTCTGCCCTGAGGTAAGTAGCCAAGATTTGCTTCCT-3'
Protein context (NP_000818.2, residues 735-755): MKVGGNLDSK[Gly745Asp]YGIATPKGSA